The following is an entry in ClinVar:

ClinVar aggregate classification (germline): Uncertain significance (1 of 4 stars; one submission).

Conditions:
Alagille syndrome due to a JAG1 point mutation. Also called: JAG1-Related Alagille Syndrome; Alagille Syndrome 1; HEPATIC DUCTULAR HYPOPLASIA, SYNDROMATIC. Identifiers: Orphanet 261619, Orphanet 52, MedGen C1956125, MONDO:0016862, OMIM 118450.

Submission:

Labcorp Genetics (formerly Invitae), Labcorp
Classification: Uncertain significance for Alagille syndrome due to a JAG1 point mutation. Last evaluated: 2023-04-12. Review status: criteria provided, single submitter. Criteria: Invitae Variant Classification Sherloc (09022015). Collection method: clinical testing. Allele origin: germline.
Comment: In summary, the available evidence is currently insufficient to determine the role of this variant in disease. Therefore, it has been classified as a Variant of Uncertain Significance. Advanced modeling of protein sequence and biophysical properties (such as structural, functional, and spatial information, amino acid conservation, physicochemical variation, residue mobility, and thermodynamic stability) has been performed at Invitae for this missense variant, however the output from this modeling did not meet the statistical confidence thresholds required to predict the impact of this variant on JAG1 protein function. This missense change has been observed in individual(s) with myopia (PMID: 29453956). This variant is not present in population databases (gnomAD no frequency). This sequence change replaces proline, which is neutral and non-polar, with leucine, which is neutral and non-polar, at codon 675 of the JAG1 protein (p.Pro675Leu).

Literature cited by the submitters: PubMed 29453956.

NM_000214.3(JAG1):c.2024C>T (p.Pro675Leu)

Gene: JAG1 (jagged canonical Notch ligand 1; minus strand). Cytogenetic location: 20p12.2.
Variant type: single nucleotide variant.
Coding change: c.2024C>T on transcript NM_000214.3 (MANE Select); coding-DNA position 2024, C replaced by T.
Protein change: p.Pro675Leu; replaces proline 675 with leucine.
Molecular consequence: missense variant.
Genome position (GRCh38, 1-based): chr20:10,645,445, G>A on the plus strand (C>T on the coding strand, the complement: JAG1 is on the minus strand). VCF-style: chr20-10645445-G-A. GRCh37 (hg19) VCF-style: chr20-10626093-G-A.
Other names: short protein forms P675L.
Identifiers: ClinVar variation 2910460 (VCV002910460.3), dbSNP rs2514513699, ClinGen allele CA408235568.
Genomic context (GRCh38, chr20:10,645,445, plus strand): 5'-TTTTTACAGTCACAGTAGAAGTCATTGACCAGGTCGCGACACGTGCCCCCATTGTGGCAG[G>A]GGTTCTGGCTGCAGTCATTAATATCTAGAATCAAAGGGGAGACAATCGGCTGAAGACGAG-3'
Protein context (NP_000205.1, residues 665-685): ETNINDCSQN[Pro675Leu]CHNGGTCRDL